The following is an entry in ClinVar:

ClinVar aggregate classification (germline): Benign (1 of 4 stars; one submission).

Conditions:
Leigh syndrome (NULS). Also called: Leigh's necrotizing encephalopathy; Leigh's disease; Leigh Syndrome (mtDNA deletion); Leigh Disease; Subacute necrotizing encephalopathy; Necrotizing encephalopathy infantile subacute of Leigh. Identifiers: Orphanet 506, MedGen C2931891, MONDO:0009723, OMIM 256000.

Submission:

Wong Mito Lab, Molecular and Human Genetics, Baylor College of Medicine
Classification: Benign for Leigh syndrome. Last evaluated: 2019-10-17. Review status: criteria provided, single submitter. Criteria: Modified ACMG Guidelines (Unpublished). Collection method: clinical testing. Allele origin: germline.
Comment: The NC_012920.1:m.7964T>C (YP_003024029.1:p.Phe127Leu) variant in MTCO2 gene is interpretated to be a Benign variant based on the modified ACMG guidelines (unpublished). This variant meets the following evidence codes: BS1, BS4

NC_012920.1(MT-CO2):m.7964T>C

Gene: MT-CO2 (mitochondrially encoded cytochrome c oxidase II; plus strand).
Variant type: single nucleotide variant.
Genome position: chrM-7964-T-C.
Identifiers: ClinVar variation 692803 (VCV000692803.1), dbSNP rs1556423367, ClinGen allele CA414794440.
Genomic context (GRCh38, chrMT:7,964, plus strand): 5'-ACCTACGAGTACACCGACTACGGCGGACTAATCTTCAACTCCTACATACTTCCCCCATTA[T>C]TCCTAGAACCAGGCGACCTGCGACTCCTTGACGTTGACAATCGAGTAGTACTCCCGATTG-3'